The following is an entry in ClinVar:

ClinVar aggregate classification (germline): Pathogenic/Likely pathogenic. Review status: criteria provided, multiple submitters, no conflicts (2 of 4 stars). 2 submissions from 2 submitters: Pathogenic (1); Likely pathogenic (1). Last evaluated 2019-10-29.

Conditions:
Cardiomyopathy (CMYO). Also called: Cardiomyopathies. Identifiers: Orphanet 167848, MedGen C0878544, MONDO:0004994, HP:0001638. Inheritance: Various modes of inheritance.
DSP-related disorder. Also called: DSP-related condition; DSP-related disorders.

Submissions (2):

Blueprint Genetics
Classification: Likely pathogenic for DSP-related disorders. Last evaluated: 2019-10-29. Review status: criteria provided, single submitter. Criteria: ACMG Guidelines, 2015. Collection method: clinical testing. Allele origin: germline. Affected: yes. Observed: 1 variant allele.

Color Diagnostics, LLC DBA Color Health
Classification: Pathogenic for Cardiomyopathy. Last evaluated: 2018-11-19. Review status: criteria provided, single submitter. Criteria: ACMG Guidelines, 2015. Collection method: clinical testing. Allele origin: germline.
Comment: This variant results in the deletion of 1 nucleotide in exon 23 of the DSP gene, creating a frameshift and premature translation stop signal. This variant is expected to result in an absent or non-functional protein product. To our knowledge, functional assays have not been performed for this variant nor has this variant been reported in individuals affected with cardiovascular disorders in the literature. This variant has not been identified in the general population by the Genome Aggregation Database (gnomAD). Loss of DSP function is a known mechanism of disease. Based on available evidence, this variant is classified as Pathogenic.

NM_004415.4(DSP):c.4797del (p.Gly1600fs)

Gene: DSP (desmoplakin; plus strand). Cytogenetic location: 6p24.3.
Variant type: Deletion.
Coding change: c.4797del on transcript NM_004415.4 (MANE Select); coding-DNA position 4797, one base deleted (A; older notation c.4797delA).
Protein change: p.Gly1600fs; shifts the reading frame from glycine 1600.
Molecular consequence: frameshift variant. On other transcripts: intron variant (2).
Genome position (GRCh38, 1-based): chr6:7,580,987, A deleted; the last of 2 consecutive A bases (chr6:7,580,986-7,580,987); deleting either gives the same sequence. VCF-style (leftmost placement, unchanged base first): chr6-7580985-GA-G. GRCh37 (hg19) VCF-style: chr6-7581218-GA-G.
Other names: c.4050+747del (NM_001319034.2); c.3582+1215del (NM_001008844.3); short protein forms G1600fs.
Identifiers: ClinVar variation 925022 (VCV000925022.4), dbSNP rs1759417776, ClinGen allele CA913188205.
Genomic context (GRCh38, chr6:7,580,985, plus strand): 5'-CGGCTGAAGAGGACCGCGTCAGAAGACTCCTGCAAGAGGAAGAAGCTGGAGGAAGAGCTG[GA>G]AGGCATGAGGAGGTCGCTGAAGGAGCAAGCCATCAAAATCACCAACCTGACCCAGCAGCT-3'